The following is an entry in ClinVar:

NM_004260.4(RECQL4):c.905C>G (p.Pro302Arg)

Gene: RECQL4 (RecQ like helicase 4; minus strand). Cytogenetic location: 8q24.3.
Variant type: single nucleotide variant.
Coding change: c.905C>G on transcript NM_004260.4 (MANE Select); coding-DNA position 905, C replaced by G.
Protein change: p.Pro302Arg; replaces proline 302 with arginine.
Molecular consequence: missense variant.
Genome position (GRCh38, 1-based): chr8:144,516,214, G>C on the plus strand (C>G on the coding strand, the complement: RECQL4 is on the minus strand). VCF-style: chr8-144516214-G-C. GRCh37 (hg19) VCF-style: chr8-145741598-G-C.
Other names: c.905C>G, p.Pro302Arg (NM_001413017.1, NM_001413018.1, NM_001413019.1 and 4 more transcripts); c.-167C>G (NM_001413021.1, NM_001413022.1, NM_001413023.1 and 7 more transcripts); c.776C>G, p.Pro259Arg (NM_001413025.1); c.-229C>G (NM_001413027.1, NM_001413030.1, NM_001413031.1 and 2 more transcripts); c.554C>G, p.Pro185Arg (NM_001413029.1); c.-71C>G (NM_001413034.1); c.-436C>G (NM_001413043.1); short protein forms P259R, P185R, P302R.
Identifiers: ClinVar variation 1931674 (VCV001931674.5), dbSNP rs1242395636, ClinGen allele CA372688700.

ClinVar aggregate classification (germline): Uncertain significance (1 of 4 stars; one submission).

Conditions:
Baller-Gerold syndrome (BGS). Also called: CRANIOSYNOSTOSIS WITH RADIAL DEFECTS. Identifiers: Orphanet 1225, MedGen C0265308, MONDO:0009039, OMIM 218600.

Submission:

Labcorp Genetics (formerly Invitae), Labcorp
Classification: Uncertain significance for Baller-Gerold syndrome. Last evaluated: 2022-10-18. Review status: criteria provided, single submitter. Criteria: Invitae Variant Classification Sherloc (09022015). Collection method: clinical testing. Allele origin: germline.
Comment: In summary, the available evidence is currently insufficient to determine the role of this variant in disease. Therefore, it has been classified as a Variant of Uncertain Significance. Advanced modeling of protein sequence and biophysical properties (such as structural, functional, and spatial information, amino acid conservation, physicochemical variation, residue mobility, and thermodynamic stability) performed at Invitae indicates that this missense variant is not expected to disrupt RECQL4 protein function. This variant has not been reported in the literature in individuals affected with RECQL4-related conditions. This variant is not present in population databases (gnomAD no frequency). This sequence change replaces proline, which is neutral and non-polar, with arginine, which is basic and polar, at codon 302 of the RECQL4 protein (p.Pro302Arg).